The following is an entry in ClinVar:

ClinVar aggregate classification (germline): Uncertain significance. Review status: criteria provided, multiple submitters, no conflicts (2 of 4 stars). 6 submissions from 6 submitters: Uncertain significance (5). 1 of the submissions does not count toward it. Last evaluated 2026-08-12.

Conditions:
CYP27A1-related disorder. Also called: CYP27A1-related condition.
Cholestanol storage disease (CTX). Also called: CEREBRAL CHOLESTERINOSIS; CTX: Cerebrotendinous xanthomatosis; Cerebrotendinous Xanthomatosis. Identifiers: Orphanet 909, MedGen C0238052, MONDO:0008948, OMIM 213700.
Cardiovascular phenotype. Identifiers: MedGen CN230736.

Allele frequency attached by ClinVar (database versions not stated): gnomAD 0.00002 and 0.00004; TOPMed 0.00004; gnomAD exomes 0.00008 and 0.00017; ExAC 0.00007.

Submissions (6):

Ambry Genetics
Classification: Uncertain significance for Cardiovascular phenotype. Last evaluated: 2026-08-12. Review status: criteria provided, single submitter. Criteria: Ambry Variant Classification Scheme 2023. Collection method: clinical testing. Allele origin: germline.
Comment: The p.M383K variant (also known as c.1148T>A), located in coding exon 6 of the CYP27A1 gene, results from a T to A substitution at nucleotide position 1148. The methionine at codon 383 is replaced by lysine, an amino acid with similar properties. This amino acid position is well conserved in available vertebrate species. In addition, this alteration is predicted to be deleterious by in silico analysis. Based on the available evidence, the clinical significance of this variant remains unclear.

PreventionGenetics, part of Exact Sciences
Classification: Uncertain significance for CYP27A1-related condition. Last evaluated: 2025-10-14. Review status: criteria provided, single submitter. Criteria: ACMG Guidelines, 2015. Collection method: clinical testing. Allele origin: germline.
Comment: The CYP27A1 c.1148T>A variant is predicted to result in the amino acid substitution p.Met383Lys. To our knowledge, this variant has not been reported in the literature in an individual with CYP27A1-related disease. This variant is reported in 0.12% of alleles in individuals of Latino descent in gnomAD, which may be too frequent to be a primary cause of disease. Although we suspect that this variant may be benign, at this time, the clinical significance of this variant is uncertain due to the absence of conclusive functional and genetic evidence.

Labcorp Genetics (formerly Invitae), Labcorp
Classification: Uncertain significance for Cholestanol storage disease. Last evaluated: 2022-08-23. Review status: criteria provided, single submitter. Criteria: Invitae Variant Classification Sherloc (09022015). Collection method: clinical testing. Allele origin: germline.
Comment: This sequence change replaces methionine, which is neutral and non-polar, with lysine, which is basic and polar, at codon 383 of the CYP27A1 protein (p.Met383Lys). The frequency data for this variant in the population databases is considered unreliable, as metrics indicate poor data quality at this position in the gnomAD database. This variant has not been reported in the literature in individuals affected with CYP27A1-related conditions. ClinVar contains an entry for this variant (Variation ID: 289820). Algorithms developed to predict the effect of missense changes on protein structure and function are either unavailable or do not agree on the potential impact of this missense change (SIFT: "Deleterious"; PolyPhen-2: "Probably Damaging"; Align-GVGD: "Class C0"). In summary, the available evidence is currently insufficient to determine the role of this variant in disease. Therefore, it has been classified as a Variant of Uncertain Significance.

Athena Diagnostics
Classification: Uncertain significance. Last evaluated: 2018-01-26. Review status: criteria provided, single submitter. Criteria: Athena Diagnostics Criteria. Collection method: clinical testing. Allele origin: germline.

Eurofins Ntd Llc (ga)
Classification: Uncertain significance. Last evaluated: 2017-10-05. Review status: criteria provided, single submitter. Criteria: EGL Classification Definitions 2015. Collection method: clinical testing. Allele origin: germline. Observed: 4 variant alleles, 4 heterozygotes.

Natera, Inc.
Classification: Uncertain significance for Cerebrotendinous xanthomatosis. Last evaluated: 2020-01-24. Review status: no assertion criteria provided. Collection method: clinical testing. Allele origin: germline. Not counted in ClinVar's aggregate classification.

Literature cited by the submitters: PubMed 26643207 (cited by Athena Diagnostics).

NM_000784.4(CYP27A1):c.1148T>A (p.Met383Lys)

Gene: CYP27A1 (cytochrome P450 family 27 subfamily A member 1; plus strand). Cytogenetic location: 2q35.
Variant type: single nucleotide variant.
Coding change: c.1148T>A on transcript NM_000784.4 (MANE Select); coding-DNA position 1148, T replaced by A.
Protein change: p.Met383Lys; replaces methionine 383 with lysine.
Molecular consequence: missense variant.
Genome position (GRCh38, 1-based): chr2:218,814,151, T>A. VCF-style: chr2-218814151-T-A. GRCh37 (hg19) VCF-style: chr2-219678874-T-A.
Other names: short protein forms M383K.
Identifiers: ClinVar variation 289820 (VCV000289820.14), dbSNP rs539356203, ClinGen allele CA2112812.